The following is an entry in ClinVar:

ClinVar aggregate classification (germline): Uncertain significance. Review status: criteria provided, multiple submitters, no conflicts (2 of 4 stars). 3 submissions from 3 submitters: Uncertain significance (3). Last evaluated 2026-04-04.

Conditions:
Familial hemophagocytic lymphohistiocytosis 2 (FHL2). Also called: PRF1-Related Familial Hemophagocytic Lymphohistiocytosis (PRF1-fHLH). Identifiers: Orphanet 540, MedGen C1863727, MONDO:0011337, OMIM 603553.

Allele frequency attached by ClinVar (database versions not stated): gnomAD exomes below 0.00001; ExAC 0.00001.

Submissions (3):

GeneDx
Classification: Uncertain significance. Last evaluated: 2026-04-04. Review status: criteria provided, single submitter. Criteria: GeneDx Variant Classification Process June 2021. Collection method: clinical testing. Allele origin: germline.
Comment: Not observed at significant frequency in large population cohorts (gnomAD); In silico analysis suggests that this missense variant does not alter protein structure/function; Has not been previously published as pathogenic or benign to our knowledge

Labcorp Genetics (formerly Invitae), Labcorp
Classification: Uncertain significance for Familial hemophagocytic lymphohistiocytosis 2. Last evaluated: 2024-11-04. Review status: criteria provided, single submitter. Criteria: Invitae Variant Classification Sherloc (09022015). Collection method: clinical testing. Allele origin: germline.
Comment: This sequence change replaces proline, which is neutral and non-polar, with leucine, which is neutral and non-polar, at codon 16 of the PRF1 protein (p.Pro16Leu). This variant is not present in population databases (gnomAD no frequency). This variant has not been reported in the literature in individuals affected with PRF1-related conditions. ClinVar contains an entry for this variant (Variation ID: 936325). Invitae Evidence Modeling of protein sequence and biophysical properties (such as structural, functional, and spatial information, amino acid conservation, physicochemical variation, residue mobility, and thermodynamic stability) indicates that this missense variant is not expected to disrupt PRF1 protein function with a negative predictive value of 95%. In summary, the available evidence is currently insufficient to determine the role of this variant in disease. Therefore, it has been classified as a Variant of Uncertain Significance.

Neuberg Centre For Genomic Medicine, NCGM
Classification: Uncertain significance for Familial hemophagocytic lymphohistiocytosis 2. Review status: criteria provided, single submitter. Criteria: ACMG Guidelines, 2015. Collection method: clinical testing. Allele origin: germline. Affected: yes.
Comment: The missense variant p.P16L in PRF1 (NM_001083116.3) has been submitted to ClinVar as a Variant of Uncertain Significance.It has not been reported previously in PRF1 related indviduals. It is novel (not in any individuals) in gnomAD Exomes and 1000 Genomes. There is a moderate physicochemical difference between proline and leucine. In silico tools predict the variant to be tolerated and the residue is weakly conserved across species.For these reasons, this variant has been classified as Uncertain Significance.

NM_001083116.3(PRF1):c.47C>T (p.Pro16Leu)

Gene: PRF1 (perforin 1; minus strand). Cytogenetic location: 10q22.1.
Variant type: single nucleotide variant.
Coding change: c.47C>T on transcript NM_001083116.3 (MANE Select); coding-DNA position 47, C replaced by T.
Protein change: p.Pro16Leu; replaces proline 16 with leucine.
Molecular consequence: missense variant.
Genome position (GRCh38, 1-based): chr10:70,600,856, G>A on the plus strand (C>T on the coding strand, the complement: PRF1 is on the minus strand). VCF-style: chr10-70600856-G-A. GRCh37 (hg19) VCF-style: chr10-72360612-G-A.
Other names: c.47C>T, p.Pro16Leu (NM_005041.6); short protein forms P16L.
Identifiers: ClinVar variation 936325 (VCV000936325.12), dbSNP rs751379475, ClinGen allele CA5539144.
Genomic context (GRCh38, chr10:70,600,856, plus strand): 5'-TTGTGGCTGCGCTTGCACTCTGAGCGTGCGGCTGTGTGGCACGGGGCAGGGACGGGCAGG[G>A]GCAGCAGCAGGAGAAGGATGCCCAGGAGGAGCAGACGGGCTGCCATGGAGCTGCAGAGAC-3'
Protein context (NP_001076585.1, residues 6-26): LLLGILLLLL[Pro16Leu]LPVPAPCHTA